The following is an entry in ClinVar:

NM_000275.3(OCA2):c.227+1G>T

Gene: OCA2 (OCA2 melanosomal transmembrane protein; minus strand). Cytogenetic location: 15q13.1.
Variant type: single nucleotide variant.
Coding change: c.227+1G>T on transcript NM_000275.3 (MANE Select); the canonical splice donor site of the intron after coding-DNA position 227, G replaced by T.
Molecular consequence: splice donor variant.
Genome position (GRCh38, 1-based): chr15:28,081,647, C>A on the plus strand (G>T on the coding strand, the complement: OCA2 is on the minus strand). VCF-style: chr15-28081647-C-A. GRCh37 (hg19) VCF-style: chr15-28326793-C-A.
Other names: c.227+1G>T (NM_001300984.2).
Identifiers: ClinVar variation 2790555 (VCV002790555.5), dbSNP rs2548670726, ClinGen allele CA391366509.

ClinVar aggregate classification (germline): Likely pathogenic. Review status: criteria provided, multiple submitters, no conflicts (2 of 4 stars). 2 submissions from 2 submitters: Likely pathogenic (2). Last evaluated 2023-06-09.

Conditions:
Tyrosinase-positive oculocutaneous albinism (OCA2). Also called: Albinism, oculocutaneous, type II; Oculocutaneous albinism type 2; ALBINISM II. Identifiers: Orphanet 79432, MedGen C0268495, MONDO:0008746, OMIM 203200.
SKIN/HAIR/EYE PIGMENTATION 1, BLUE/NONBLUE EYES (SHEP1). Also called: SKIN/HAIR/EYE PIGMENTATION 1, BLOND/BROWN HAIR; SKIN/HAIR/EYE PIGMENTATION 1, BLUE/BROWN EYES; BROWN EYE COLOR 2; EYE COLOR 3; EYE COLOR, BLUE/NONBLUE; EYE COLOR, BROWN/BLUE. Identifiers: MedGen C1856895, OMIM 227220.

Submissions (2):

Labcorp Genetics (formerly Invitae), Labcorp
Classification: Likely pathogenic. Last evaluated: 2023-06-09. Review status: criteria provided, single submitter. Criteria: Invitae Variant Classification Sherloc (09022015). Collection method: clinical testing. Allele origin: germline.
Comment: In summary, the currently available evidence indicates that the variant is pathogenic, but additional data are needed to prove that conclusively. Therefore, this variant has been classified as Likely Pathogenic. Algorithms developed to predict the effect of sequence changes on RNA splicing suggest that this variant may disrupt the consensus splice site. This variant has not been reported in the literature in individuals affected with OCA2-related conditions. This variant is not present in population databases (gnomAD no frequency). This sequence change affects a donor splice site in intron 2 of the OCA2 gene. It is expected to disrupt RNA splicing. Variants that disrupt the donor or acceptor splice site typically lead to a loss of protein function (PMID: 16199547), and loss-of-function variants in OCA2 are known to be pathogenic (PMID: 19865097, 21541274).

Juno Genomics, Hangzhou Juno Genomics, Inc
Classification: Likely pathogenic for SKIN/HAIR/EYE PIGMENTATION 1, BLUE/NONBLUE EYES; Tyrosinase-positive oculocutaneous albinism. Review status: criteria provided, single submitter. Criteria: ACMG Guidelines, 2015. Collection method: clinical testing. Allele origin: germline.
Comment: Null variant in a gene where loss of function (LOF) is a known mechanism of disease.;Absent from controls (or at extremely low frequency if recessive) in Genome Aggregation Database.

Literature cited by the submitters: PubMed 16199547 (cited by Labcorp Genetics (formerly Invitae), Labcorp); PubMed 19865097 (cited by Labcorp Genetics (formerly Invitae), Labcorp); PubMed 21541274 (cited by Labcorp Genetics (formerly Invitae), Labcorp).